The following is an entry in ClinVar:

ClinVar aggregate classification (germline): Conflicting classifications of pathogenicity. Review status: criteria provided, conflicting classifications (1 of 4 stars). 5 submissions from 5 submitters: Uncertain significance (4); Likely benign (1). Last evaluated 2026-05-01.

Conditions:
Developmental and epileptic encephalopathy, 69. Also called: EPILEPTIC ENCEPHALOPATHY, EARLY INFANTILE, 69. Identifiers: MedGen C4748988, MONDO:0032657, OMIM 618285.
Inborn genetic diseases. Identifiers: MedGen C0950123, MeSH D030342.

Allele frequency attached by ClinVar (database versions not stated): gnomAD exomes below 0.00001 and 0.00002; ExAC 0.00001; gnomAD 0.00001; TOPMed 0.00002.
gnomAD v4.1: 31 of 1,613,800 alleles (0.0019%); highest among the groups gnomAD compares: East Asian, 0.0022%; no homozygotes.

Submissions (5):

CeGaT Center for Human Genetics Tuebingen
Classification: Likely benign. Last evaluated: 2026-05-01. Review status: criteria provided, single submitter. Criteria: CeGaT Center For Human Genetics Tuebingen Variant Classification Criteria Version 2. Collection method: clinical testing. Allele origin: germline. Affected: yes. Observed: 2 variant alleles.
Comment: CACNA1E: PP2, PP3, BS2

Labcorp Genetics (formerly Invitae), Labcorp
Classification: Uncertain significance. Last evaluated: 2024-10-09. Review status: criteria provided, single submitter. Criteria: Invitae Variant Classification Sherloc (09022015). Collection method: clinical testing. Allele origin: germline.
Comment: This sequence change replaces proline, which is neutral and non-polar, with leucine, which is neutral and non-polar, at codon 1478 of the CACNA1E protein (p.Pro1478Leu). This variant is present in population databases (rs760888096, gnomAD 0.0009%). This variant has not been reported in the literature in individuals affected with CACNA1E-related conditions. ClinVar contains an entry for this variant (Variation ID: 1694535). Invitae Evidence Modeling of protein sequence and biophysical properties (such as structural, functional, and spatial information, amino acid conservation, physicochemical variation, residue mobility, and thermodynamic stability) has been performed for this missense variant. However, the output from this modeling did not meet the statistical confidence thresholds required to predict the impact of this variant on CACNA1E protein function. In summary, the available evidence is currently insufficient to determine the role of this variant in disease. Therefore, it has been classified as a Variant of Uncertain Significance.

Ambry Genetics
Classification: Uncertain significance for Inborn genetic diseases. Last evaluated: 2023-12-17. Review status: criteria provided, single submitter. Criteria: Ambry Variant Classification Scheme 2023. Collection method: clinical testing. Allele origin: germline.

Genome-Nilou Lab
Classification: Uncertain significance for Developmental and epileptic encephalopathy, 69. Last evaluated: 2023-04-11. Review status: criteria provided, single submitter. Criteria: ACMG Guidelines, 2015. Collection method: clinical testing. Allele origin: germline. Affected: no.

GeneDx
Classification: Uncertain significance. Last evaluated: 2023-03-10. Review status: criteria provided, single submitter. Criteria: GeneDx Variant Classification Process June 2021. Collection method: clinical testing. Allele origin: germline. Affected: yes.
Comment: In silico analysis supports that this missense variant has a deleterious effect on protein structure/function; Has not been previously published as pathogenic or benign to our knowledge

NM_001205293.3(CACNA1E):c.4433C>T (p.Pro1478Leu)

Gene: CACNA1E (calcium voltage-gated channel subunit alpha1 E; plus strand). Cytogenetic location: 1q25.3.
Variant type: single nucleotide variant.
Coding change: c.4433C>T on transcript NM_001205293.3 (MANE Select); coding-DNA position 4433, C replaced by T.
Protein change: p.Pro1478Leu; replaces proline 1478 with leucine.
Molecular consequence: missense variant.
Genome position (GRCh38, 1-based): chr1:181,758,050, C>T. VCF-style: chr1-181758050-C-T. GRCh37 (hg19) VCF-style: chr1-181727186-C-T.
Other names: c.4433C>T, p.Pro1478Leu (NM_000721.4); c.4376C>T, p.Pro1459Leu (NM_001205294.2); c.4433C>T (NM_000721.3, NM_001205293.1); short protein forms P1459L, P1478L.
Identifiers: ClinVar variation 1694535 (VCV001694535.36), dbSNP rs760888096, ClinGen allele CA1275835.